The following is an entry in ClinVar:

NM_014384.3(ACAD8):c.567G>C (p.Lys189Asn)

Gene: ACAD8 (acyl-CoA dehydrogenase family member 8; plus strand). Cytogenetic location: 11q25.
Variant type: single nucleotide variant.
Coding change: c.567G>C on transcript NM_014384.3 (MANE Select); coding-DNA position 567, G replaced by C.
Protein change: p.Lys189Asn; replaces lysine 189 with asparagine.
Molecular consequence: missense variant.
Genome position (GRCh38, 1-based): chr11:134,259,084, G>C. VCF-style: chr11-134259084-G-C. GRCh37 (hg19) VCF-style: chr11-134128978-G-C.
Other names: short protein forms K189N.
Identifiers: ClinVar variation 3644907 (VCV003644907.2).

ClinVar aggregate classification (germline): Uncertain significance (1 of 4 stars; one submission).

Conditions:
Deficiency of isobutyryl-CoA dehydrogenase. Also called: IBD DEFICIENCY; ACAD8 DEFICIENCY; ACYL-CoA DEHYDROGENASE FAMILY, MEMBER 8, DEFICIENCY OF. Identifiers: Orphanet 79159, MedGen C1969809, MONDO:0012648, OMIM 611283.

Submission:

Labcorp Genetics (formerly Invitae), Labcorp
Classification: Uncertain significance for Deficiency of isobutyryl-CoA dehydrogenase. Last evaluated: 2024-05-02. Review status: criteria provided, single submitter. Criteria: Invitae Variant Classification Sherloc (09022015). Collection method: clinical testing. Allele origin: germline.
Comment: This sequence change replaces lysine, which is basic and polar, with asparagine, which is neutral and polar, at codon 189 of the ACAD8 protein (p.Lys189Asn). This variant also falls at the last nucleotide of exon 5, which is part of the consensus splice site for this exon. This variant is not present in population databases (gnomAD no frequency). This variant has not been reported in the literature in individuals affected with ACAD8-related conditions. An algorithm developed to predict the effect of missense changes on protein structure and function (PolyPhen-2) suggests that this variant is likely to be disruptive. Variants that disrupt the consensus splice site are a relatively common cause of aberrant splicing (PMID: 17576681, 9536098). Algorithms developed to predict the effect of sequence changes on RNA splicing suggest that this variant may disrupt the consensus splice site. In summary, the available evidence is currently insufficient to determine the role of this variant in disease. Therefore, it has been classified as a Variant of Uncertain Significance.

Literature cited by the submitters: PubMed 17576681; PubMed 9536098.